The following is an entry in ClinVar:

NM_001011.4(RPS7):c.333A>C (p.Lys111Asn)

Gene: RPS7 (ribosomal protein S7; plus strand). Cytogenetic location: 2p25.3.
Variant type: single nucleotide variant.
Coding change: c.333A>C on transcript NM_001011.4 (MANE Select); coding-DNA position 333, A replaced by C.
Protein change: p.Lys111Asn; replaces lysine 111 with asparagine.
Molecular consequence: missense variant.
Genome position (GRCh38, 1-based): chr2:3,577,751, A>C. VCF-style: chr2-3577751-A-C. GRCh37 (hg19) VCF-style: chr2-3625341-A-C.
Other names: short protein forms K111N.
Identifiers: ClinVar variation 1720274 (VCV001720274.5), dbSNP rs2528181248, ClinGen allele CA345743256.
Genomic context (GRCh38, chr2:3,577,751, plus strand): 5'-GATAATTTTTACCTTACAGAGGAGAATTCTGCCTAAGCCAACTCGAAAAAGCCGTACAAA[A>C]AATAAGCAAAAGCGTCCCAGGAGGTGAGTATTTTAGTAGTTTCAGAAATGTGTGTACCCC-3'
Protein context (NP_001002.1, residues 101-121): LPKPTRKSRT[Lys111Asn]NKQKRPRSRT

ClinVar aggregate classification (germline): Uncertain significance (1 of 4 stars; one submission).

Conditions:
Diamond-Blackfan anemia 8 (DBA8). Also called: RPS7-Related Diamond-Blackfan Anemia. Identifiers: Orphanet 124, MedGen C2675511, MONDO:0012939, OMIM 612563.

Submission:

Labcorp Genetics (formerly Invitae), Labcorp
Classification: Uncertain significance for Diamond-Blackfan anemia 8. Last evaluated: 2022-09-24. Review status: criteria provided, single submitter. Criteria: Invitae Variant Classification Sherloc (09022015). Collection method: clinical testing. Allele origin: germline.
Comment: This sequence change replaces lysine, which is basic and polar, with asparagine, which is neutral and polar, at codon 111 of the RPS7 protein (p.Lys111Asn). This variant is not present in population databases (gnomAD no frequency). This variant has not been reported in the literature in individuals affected with RPS7-related conditions. Algorithms developed to predict the effect of missense changes on protein structure and function (SIFT, PolyPhen-2, Align-GVGD) all suggest that this variant is likely to be tolerated. In summary, the available evidence is currently insufficient to determine the role of this variant in disease. Therefore, it has been classified as a Variant of Uncertain Significance.